The following is an entry in ClinVar:

ClinVar aggregate classification (germline): Uncertain significance (1 of 4 stars; one submission).

Submission:

Athena Diagnostics
Classification: Uncertain significance. Last evaluated: 2024-10-29. Review status: criteria provided, single submitter. Criteria: Athena Diagnostics Criteria. Collection method: clinical testing. Allele origin: unknown.
Comment: Available data are insufficient to determine the clinical significance of the variant at this time. This variant has not been reported in large, multi-ethnic general populations. Polyphen and MutationTaster predict this amino acid change may be benign.

NM_004408.4(DNM1):c.2492A>T (p.Gln831Leu)

Gene: DNM1 (dynamin 1; plus strand). Cytogenetic location: 9q34.11.
Variant type: single nucleotide variant.
Coding change: c.2492A>T on transcript NM_004408.4 (MANE Select); coding-DNA position 2492, A replaced by T.
Protein change: p.Gln831Leu; replaces glutamine 831 with leucine.
Molecular consequence: missense variant.
Genome position (GRCh38, 1-based): chr9:128,250,898, A>T. VCF-style: chr9-128250898-A-T. GRCh37 (hg19) VCF-style: chr9-131013177-A-T.
Other names: c.2492A>T, p.Gln831Leu (NM_001005336.3, NM_001288737.2, NM_001288738.2 and 2 more transcripts); short protein forms Q831L.
Identifiers: ClinVar variation 3571721 (VCV003571721.1).